The following is an entry in ClinVar:

ClinVar aggregate classification (germline): Likely benign. Review status: criteria provided, multiple submitters, no conflicts (2 of 4 stars). 4 submissions from 4 submitters: Likely benign (4). Last evaluated 2025-09-01.

Conditions:
RYR1-related disorder. Also called: RYR1-related disorders; RYR1-related condition. Identifiers: MedGen CN239331.
Malignant hyperthermia, susceptibility to, 1 (MHS1). Also called: RYR1-Related Malignant Hyperthermia Susceptibility; Anesthesia related hyperthermia; Malignant hyperpyrexia; Fulminating hyperpyrexia; Pharmacogenic myopathy; Malignant hyperthermia suceptibility 1. Identifiers: Orphanet 423, MedGen C2930980, MONDO:0007783, OMIM 145600.

Allele frequency attached by ClinVar (database versions not stated): ExAC below 0.00001; gnomAD 0.00001; gnomAD exomes 0.00001; TOPMed 0.00001.
gnomAD v4.1: 10 of 1,603,546 alleles (0.00062%); highest among the groups gnomAD compares: South Asian, 0.0033%; no homozygotes.

Submissions (4):

CeGaT Center for Human Genetics Tuebingen
Classification: Likely benign. Last evaluated: 2025-09-01. Review status: criteria provided, single submitter. Criteria: CeGaT Center For Human Genetics Tuebingen Variant Classification Criteria Version 2. Collection method: clinical testing. Allele origin: germline. Affected: yes. Observed: 1 variant allele.
Comment: RYR1: BP4, BP7

Labcorp Genetics (formerly Invitae), Labcorp
Classification: Likely benign for RYR1-related disorder. Last evaluated: 2024-08-10. Review status: criteria provided, single submitter. Criteria: Invitae Variant Classification Sherloc (09022015). Collection method: clinical testing. Allele origin: germline.

All of Us Research Program, National Institutes of Health
Classification: Likely benign for Malignant hyperthermia, susceptibility to, 1. Last evaluated: 2023-02-24. Review status: criteria provided, single submitter. Criteria: ACMG Guidelines, 2015. Collection method: clinical testing. Allele origin: germline. Inheritance: Autosomal dominant inheritance. Observed: 2 variant alleles, 2 heterozygotes.
Comment: This study involves interpretation of variants in research participants for the purpose of population health screening. Participant phenotype was not available at the time of variant classification. Additional details can be found in publication PMID: 35346344, PMCID: PMC8962531

Color Diagnostics, LLC DBA Color Health
Classification: Likely benign for Malignant hyperthermia, susceptibility to, 1. Last evaluated: 2022-10-03. Review status: criteria provided, single submitter. Criteria: ACMG Guidelines, 2015. Collection method: clinical testing. Allele origin: germline.

NM_000540.3(RYR1):c.10275G>A (p.Thr3425=)

Gene: RYR1 (ryanodine receptor 1; plus strand). Cytogenetic location: 19q13.2.
Variant type: single nucleotide variant.
Coding change: c.10275G>A on transcript NM_000540.3 (MANE Select); coding-DNA position 10275, G replaced by A.
Protein change: p.Thr3425=; no amino-acid change (threonine 3425 retained).
Molecular consequence: synonymous variant.
Genome position (GRCh38, 1-based): chr19:38,523,043, G>A. VCF-style: chr19-38523043-G-A. GRCh37 (hg19) VCF-style: chr19-39013683-G-A.
Other names: c.10275G>A, p.Thr3425= (NM_001042723.2).
Identifiers: ClinVar variation 750076 (VCV000750076.18), dbSNP rs769992246, ClinGen allele CA052991.